The following is an entry in ClinVar:

ClinVar aggregate classification (germline): Pathogenic (1 of 4 stars; one submission).

Conditions:
Deficiency of alpha-mannosidase (MANSA). Also called: LYSOSOMAL ALPHA-D-MANNOSIDASE DEFICIENCY; Alpha-Mannosidosis; Mannosidosis, alpha-, types I and II. Identifiers: Orphanet 61, MedGen C0024748, MONDO:0009561, OMIM 248500.

Submission:

Myriad Genetics, Inc.
Classification: Pathogenic for Deficiency of alpha-mannosidase. Last evaluated: 2025-01-31. Review status: criteria provided, single submitter. Criteria: Myriad Autosomal Dominant, Autosomal Recessive and X-Linked Classification Criteria (2023). Collection method: clinical testing. Allele origin: unknown.
Comment: NM_000528.3(MAN2B1):c.2095C>T(Q699*) is expected to be pathogenic in the context of alpha-mannosidosis. This variant is predicted to lead to an abnormal or absent protein product due to the creation of a premature termination codon in MAN2B1, a gene where loss-of-function variants are known to be pathogenic. Please note: this variant was assessed in the context of healthy population screening.

NM_000528.4(MAN2B1):c.2095C>T (p.Gln699Ter)

Gene: MAN2B1 (mannosidase alpha class 2B member 1; minus strand). Cytogenetic location: 19p13.13.
Variant type: single nucleotide variant.
Coding change: c.2095C>T on transcript NM_000528.4 (MANE Select); coding-DNA position 2095, C replaced by T.
Protein change: p.Gln699Ter; replaces glutamine 699 with a stop codon.
Molecular consequence: nonsense.
Genome position (GRCh38, 1-based): chr19:12,650,174, G>A on the plus strand (C>T on the coding strand, the complement: MAN2B1 is on the minus strand). VCF-style: chr19-12650174-G-A. GRCh37 (hg19) VCF-style: chr19-12760988-G-A.
Other names: c.2092C>T, p.Gln698Ter (NM_001173498.2); c.2098C>T, p.Gln700Ter (NM_001440570.1); short protein forms Q698*, Q699*, Q700*.
Identifiers: ClinVar variation 5014047 (VCV005014047.1).